The following is an entry in ClinVar:

ClinVar aggregate classification (germline): Uncertain significance. Review status: criteria provided, multiple submitters, no conflicts (2 of 4 stars). 3 submissions from 3 submitters: Uncertain significance (3). Last evaluated 2026-09-09.

Conditions:
Inborn genetic diseases. Identifiers: MedGen C0950123, MeSH D030342.
Baller-Gerold syndrome (BGS). Also called: CRANIOSYNOSTOSIS WITH RADIAL DEFECTS. Identifiers: Orphanet 1225, MedGen C0265308, MONDO:0009039, OMIM 218600.

Submissions (3):

Ambry Genetics
Classification: Uncertain significance for Inborn genetic diseases. Last evaluated: 2026-09-09. Review status: criteria provided, single submitter. Criteria: Ambry Variant Classification Scheme 2023. Collection method: clinical testing. Allele origin: germline.
Comment: The p.P730L variant (also known as c.2189C>T), located in coding exon 13 of the RECQL4 gene, results from a C to T substitution at nucleotide position 2189. The proline at codon 730 is replaced by leucine, an amino acid with similar properties. This amino acid position is conserved. In addition, this alteration is predicted to be tolerated by in silico analysis. Based on the available evidence, the clinical significance of this variant remains unclear.

Labcorp Genetics (formerly Invitae), Labcorp
Classification: Uncertain significance for Baller-Gerold syndrome. Last evaluated: 2025-06-11. Review status: criteria provided, single submitter. Criteria: Invitae Variant Classification Sherloc (09022015). Collection method: clinical testing. Allele origin: germline.
Comment: This sequence change replaces proline, which is neutral and non-polar, with leucine, which is neutral and non-polar, at codon 730 of the RECQL4 protein (p.Pro730Leu). This variant is not present in population databases (gnomAD no frequency). This variant has not been reported in the literature in individuals affected with RECQL4-related conditions. ClinVar contains an entry for this variant (Variation ID: 450067). Invitae Evidence Modeling of protein sequence and biophysical properties (such as structural, functional, and spatial information, amino acid conservation, physicochemical variation, residue mobility, and thermodynamic stability) indicates that this missense variant is not expected to disrupt RECQL4 protein function with a negative predictive value of 80%. In summary, the available evidence is currently insufficient to determine the role of this variant in disease. Therefore, it has been classified as a Variant of Uncertain Significance.

GeneDx
Classification: Uncertain significance. Last evaluated: 2017-08-01. Review status: criteria provided, single submitter. Criteria: GeneDx Variant Classification (06012015). Collection method: clinical testing. Allele origin: germline. Affected: yes.
Comment: The P730L variant in the RECQL4 gene has not been reported previously as a pathogenic variant,nor as a benign variant, to our knowledge. This variant is not observed in large population cohorts(Lek et al., 2016; 1000 Genomes Consortium et al., 2015; Exome Variant Server). The P730L variantis a semi-conservative amino acid substitution, which may impact secondary protein structure as theseresidues differ in some properties. This substitution occurs at a position that is not conserved. In silicoanalysis is inconsistent in its predictions as to whether or not the variant is damaging to the proteinstructure/function. We interpret P730L as a variant of uncertain significance.

NM_004260.4(RECQL4):c.2189C>T (p.Pro730Leu)

Gene: RECQL4 (RecQ like helicase 4; minus strand). Cytogenetic location: 8q24.3.
Variant type: single nucleotide variant.
Coding change: c.2189C>T on transcript NM_004260.4 (MANE Select); coding-DNA position 2189, C replaced by T.
Protein change: p.Pro730Leu; replaces proline 730 with leucine.
Molecular consequence: missense variant.
Genome position (GRCh38, 1-based): chr8:144,513,582, G>A on the plus strand (C>T on the coding strand, the complement: RECQL4 is on the minus strand). VCF-style: chr8-144513582-G-A. GRCh37 (hg19) VCF-style: chr8-145738966-G-A.
Other names: short protein forms P730L.
Identifiers: ClinVar variation 450067 (VCV000450067.7), dbSNP rs1554898674, ClinGen allele CA372679588.